The following is an entry in ClinVar:

NM_000245.4(MET):c.945T>G (p.Asn315Lys)

Gene: MET (MET proto-oncogene, receptor tyrosine kinase; plus strand). Cytogenetic location: 7q31.2.
Variant type: single nucleotide variant.
Coding change: c.945T>G on transcript NM_000245.4 (MANE Select); coding-DNA position 945, T replaced by G.
Protein change: p.Asn315Lys; replaces asparagine 315 with lysine.
Molecular consequence: missense variant. On other transcripts: intron variant (1).
Genome position (GRCh38, 1-based): chr7:116,700,029, T>G. VCF-style: chr7-116700029-T-G. GRCh37 (hg19) VCF-style: chr7-116340083-T-G.
Other names: c.945T>G, p.Asn315Lys (NM_001127500.3, NM_001324401.3); c.-91+27452T>G (NM_001324402.2); short protein forms N315K.
Identifiers: ClinVar variation 5024357 (VCV005024357.1).

ClinVar aggregate classification (germline): Uncertain significance (1 of 4 stars; one submission).

Conditions:
Hereditary cancer-predisposing syndrome. Also called: Neoplastic Syndromes, Hereditary; Tumor predisposition; Hereditary neoplastic syndrome; Hereditary Cancer Syndrome. Identifiers: Orphanet 140162, MedGen C0027672, MeSH D009386, MONDO:0015356.

Submission:

Ambry Genetics
Classification: Uncertain significance for Hereditary cancer-predisposing syndrome. Last evaluated: 2026-07-06. Review status: criteria provided, single submitter. Criteria: Ambry Variant Classification Scheme 2023. Collection method: clinical testing. Allele origin: germline.
Comment: The p.N315K variant (also known as c.945T>G), located in coding exon 1 of the MET gene, results from a T to G substitution at nucleotide position 945. The asparagine at codon 315 is replaced by lysine, an amino acid with similar properties. This amino acid position is conserved. In addition, this alteration is predicted to be tolerated by in silico analysis. Based on the available evidence, the clinical significance of this variant remains unclear.